The following is an entry in ClinVar:

NM_000038.6(APC):c.756C>T (p.Thr252=)

Gene: APC (APC regulator of Wnt signaling pathway; plus strand). Cytogenetic location: 5q22.2.
Variant type: single nucleotide variant.
Coding change: c.756C>T on transcript NM_000038.6 (MANE Select); coding-DNA position 756, C replaced by T.
Protein change: p.Thr252=; no amino-acid change (threonine 252 retained).
Molecular consequence: synonymous variant. On other transcripts: 5 prime UTR variant (1).
Genome position (GRCh38, 1-based): chr5:112,801,305, C>T. VCF-style: chr5-112801305-C-T. GRCh37 (hg19) VCF-style: chr5-112137002-C-T.
Other names: c.756C>T, p.Thr252= (NM_001127510.3, NM_001354895.2, NM_001354896.2 and 1 more transcripts); c.702C>T, p.Thr234= (NM_001127511.3); c.786C>T, p.Thr262= (NM_001354897.2, NM_001354902.2); c.681C>T, p.Thr227= (NM_001354898.2, NM_001354904.2); c.672C>T, p.Thr224= (NM_001354899.2); c.579C>T, p.Thr193= (NM_001354900.2, NM_001354901.2, NM_001354905.2); c.-280C>T (NM_001354906.2).
Identifiers: ClinVar variation 183928 (VCV000183928.43), dbSNP rs771535363, ClinGen allele CA013839.

ClinVar aggregate classification (germline): Benign/Likely benign. Review status: criteria provided, multiple submitters, no conflicts (2 of 4 stars). 10 submissions from 10 submitters: Benign (2); Likely benign (8). Last evaluated 2025-09-24.

Conditions:
Classic or attenuated familial adenomatous polyposis. Identifiers: MedGen CN372698, MONDO:0021057.
Hereditary cancer-predisposing syndrome. Also called: Tumor predisposition; Neoplastic Syndromes, Hereditary; Hereditary Cancer Syndrome; Hereditary neoplastic syndrome. Identifiers: Orphanet 140162, MedGen C0027672, MeSH D009386, MONDO:0015356.
Familial adenomatous polyposis 1 (FAP1). Also called: POLYPOSIS, ADENOMATOUS INTESTINAL; FAMILIAL ADENOMATOUS POLYPOSIS 1, ATTENUATED. Identifiers: MedGen C2713442, MONDO:0021056, OMIM 175100. Disease mechanism: loss of function.

Allele frequency attached by ClinVar (database versions not stated): TOPMed 0.00003; ExAC 0.00003; gnomAD 0.00003.
gnomAD v4.1: 23 of 1,612,676 alleles (0.0014%); highest among the groups gnomAD compares: Admixed American, 0.0033%; no homozygotes.

Submissions (10):

Labcorp Genetics (formerly Invitae), Labcorp
Classification: Likely benign for Familial adenomatous polyposis 1. Last evaluated: 2025-09-24. Review status: criteria provided, single submitter. Criteria: Invitae Variant Classification Sherloc (09022015). Collection method: clinical testing. Allele origin: germline.

Center for Genomic Medicine, Rigshospitalet, Copenhagen University Hospital
Classification: Likely benign. Last evaluated: 2025-03-04. Review status: criteria provided, single submitter. Criteria: ACMG Guidelines, 2015. Collection method: clinical testing. Allele origin: germline.

CeGaT Center for Human Genetics Tuebingen
Classification: Likely benign. Last evaluated: 2024-11-01. Review status: criteria provided, single submitter. Criteria: CeGaT Center For Human Genetics Tuebingen Variant Classification Criteria Version 2. Collection method: clinical testing. Allele origin: germline. Affected: yes. Observed: 1 variant allele.
Comment: APC: BP4, BP7

Myriad Genetics, Inc.
Classification: Benign for Familial adenomatous polyposis 1. Last evaluated: 2024-02-26. Review status: criteria provided, single submitter. Criteria: Myriad Autosomal Dominant, Autosomal Recessive and X-Linked Classification Criteria (2023). Collection method: clinical testing. Allele origin: unknown.
Comment: This variant is considered benign. This variant is a silent/synonymous amino acid change and it is not expected to impact splicing.

All of Us Research Program, National Institutes of Health
Classification: Likely benign for Classic or attenuated familial adenomatous polyposis. Last evaluated: 2023-12-18. Review status: criteria provided, single submitter. Criteria: ACMG Guidelines, 2015. Collection method: clinical testing. Allele origin: germline. Inheritance: Autosomal dominant inheritance. Observed: 5 variant alleles, 5 heterozygotes.
Comment: This study involves interpretation of variants in research participants for the purpose of population health screening. Participant phenotype was not available at the time of variant classification. Additional details can be found in publication PMID: 35346344, PMCID: PMC8962531

Blueprint Genetics
Classification: Likely benign. Last evaluated: 2022-11-15. Review status: criteria provided, single submitter. Criteria: ACMG Guidelines, 2015. Collection method: clinical testing. Allele origin: germline.

Sema4
Classification: Likely benign for Hereditary cancer-predisposing syndrome. Last evaluated: 2021-01-21. Review status: criteria provided, single submitter. Criteria: Sema4 Curation Guidelines. Collection method: curation. Allele origin: germline.

Quest Diagnostics Nichols Institute San Juan Capistrano
Classification: Benign. Last evaluated: 2017-08-16. Review status: criteria provided, single submitter. Criteria: Quest Diagnostics criteria. Collection method: clinical testing. Allele origin: germline.

Ambry Genetics
Classification: Likely benign for Hereditary cancer-predisposing syndrome. Last evaluated: 2016-07-05. Review status: criteria provided, single submitter. Criteria: Ambry Variant Classification Scheme 2023. Collection method: clinical testing. Allele origin: germline.

Color Diagnostics, LLC DBA Color Health
Classification: Likely benign for Hereditary cancer-predisposing syndrome. Last evaluated: 2016-06-16. Review status: criteria provided, single submitter. Criteria: ACMG Guidelines, 2015. Collection method: clinical testing. Allele origin: germline.